The following is an entry in ClinVar:

NM_001374353.1(GLI2):c.3140A>T (p.Asp1047Val)

Gene: GLI2 (GLI family zinc finger 2; plus strand). Cytogenetic location: 2q14.2.
Variant type: single nucleotide variant.
Coding change: c.3140A>T on transcript NM_001374353.1 (MANE Select); coding-DNA position 3140, A replaced by T.
Protein change: p.Asp1047Val; replaces aspartic acid 1047 with valine.
Molecular consequence: missense variant.
Genome position (GRCh38, 1-based): chr2:120,989,105, A>T. VCF-style: chr2-120989105-A-T. GRCh37 (hg19) VCF-style: chr2-121746681-A-T.
Other names: c.3191A>T, p.Asp1064Val (NM_001371271.1, NM_005270.5); c.2765A>T, p.Asp922Val (NM_001374354.1); short protein forms D922V, D1047V, D1064V.
Identifiers: ClinVar variation 4986713 (VCV004986713.1).

ClinVar aggregate classification (germline): Uncertain significance (1 of 4 stars; one submission).

Conditions:
GLI2-related disorder. Also called: GLI2-related condition; GLI2-related disorders.

Submission:

PreventionGenetics, part of Exact Sciences
Classification: Uncertain significance for GLI2-related condition. Last evaluated: 2024-10-27. Review status: criteria provided, single submitter. Criteria: ACMG Guidelines, 2015. Collection method: clinical testing. Allele origin: germline.
Comment: The GLI2 c.3191A>T variant is predicted to result in the amino acid substitution p.Asp1064Val. To our knowledge, this variant has not been reported in the literature or in a large population database (gnomAD), indicating this variant is rare. At this time, the clinical significance of this variant is uncertain due to the absence of conclusive functional and genetic evidence.